The following is an entry in ClinVar:

ClinVar aggregate classification (germline): Pathogenic (1 of 4 stars; one submission).

Conditions:
Telangiectasia, hereditary hemorrhagic, type 1 (HHT1). Also called: Osler Weber Rendu syndrome type 1; ENG-Related Hereditary Hemorrhagic Telangiectasia. Identifiers: Orphanet 774, MedGen C4551861, MONDO:0008535, OMIM 187300. Disease mechanism: loss of function.

Submission:

Impact Genetics, Dynacare/LabCorp
Classification: Pathogenic for Telangiectasia, hereditary hemorrhagic, type 1. Last evaluated: 2023-04-26. Review status: criteria provided, single submitter. Criteria: DeMille et al. (Hum Mutat. 2024). Collection method: clinical testing. Allele origin: germline.
Comment: PVS1, PM2_supporting

NM_001114753.3(ENG):c.650_666del (p.Glu217fs)

Gene: ENG (endoglin; minus strand). Cytogenetic location: 9q34.11.
Variant type: Deletion.
Coding change: c.650_666del on transcript NM_001114753.3 (MANE Select); coding-DNA positions 650 to 666, 17 bases deleted (AGGCGCACATCCTGAGG).
Protein change: p.Glu217fs; shifts the reading frame from glutamic acid 217.
Molecular consequence: frameshift variant.
Genome position (GRCh38, 1-based): chr9:127,825,718-127,825,734, CCTCAGGATGTGCGCCT deleted on the plus strand (AGGCGCACATCCTGAGG on the coding strand, the reverse complement: ENG is on the minus strand); deleting any 17 consecutive bases within chr9:127,825,718-127,825,737 gives the same sequence; the c. name uses the placement nearest the transcript's 3' end. VCF-style (leftmost placement, unchanged base first): chr9-127825717-CCCTCAGGATGTGCGCCT-C. GRCh37 (hg19) VCF-style: chr9-130587996-CCCTCAGGATGTGCGCCT-C.
Other names: c.650_666del, p.Glu217fs (NM_000118.4, NM_001406715.1); c.104_120del, p.Glu35fs (NM_001278138.2); short protein forms E217fs, E35fs.
Identifiers: ClinVar variation 4082248 (VCV004082248.1).